The following is an entry in ClinVar:

NM_138966.5(NETO1):c.901A>G (p.Ser301Gly)

Gene: NETO1 (neuropilin and tolloid like 1; minus strand). Cytogenetic location: 18q22.3.
Variant type: single nucleotide variant.
Coding change: c.901A>G on transcript NM_138966.5 (MANE Select); coding-DNA position 901, A replaced by G.
Protein change: p.Ser301Gly; replaces serine 301 with glycine.
Molecular consequence: missense variant. On other transcripts: non-coding transcript variant (2).
Genome position (GRCh38, 1-based): chr18:72,756,115, T>C on the plus strand (A>G on the coding strand, the complement: NETO1 is on the minus strand). VCF-style: chr18-72756115-T-C. GRCh37 (hg19) VCF-style: chr18-70423350-T-C.
Other names: c.901A>G, p.Ser301Gly (NM_001201465.3, NM_001354017.2); c.475A>G, p.Ser159Gly (NM_001354018.2); c.877A>G, p.Ser293Gly (NM_001354020.2); short protein forms S159G, S293G, S301G.
Identifiers: ClinVar variation 3600374 (VCV003600374.1).

ClinVar aggregate classification (germline): Uncertain significance (1 of 4 stars; one submission).

Submission:

Clinical Genomics Laboratory, Washington University in St. Louis
Classification: Uncertain significance. Last evaluated: 2024-10-23. Review status: criteria provided, single submitter. Criteria: ACMG Guidelines, 2015. Collection method: clinical testing. Allele origin: germline.
Comment: The NETO1 c.901A>G (p.Ser301Gly) variant, to our knowledge, has not been reported in the medical literature and is absent from the general population (gnomAD v.2.1.1), indicating it is not a common variant. Computational predictors indicate that the variant is damaging, evidence that correlates with impact on NETO1 function. Due to limited information, the clinical significance of this variant is uncertain.